The following is an entry in ClinVar:

NM_032043.3(BRIP1):c.767T>A (p.Ile256Asn)

Gene: BRIP1 (BRCA1 interacting DNA helicase 1; minus strand). Cytogenetic location: 17q23.2.
Variant type: single nucleotide variant.
Coding change: c.767T>A on transcript NM_032043.3 (MANE Select); coding-DNA position 767, T replaced by A.
Protein change: p.Ile256Asn; replaces isoleucine 256 with asparagine.
Molecular consequence: missense variant.
Genome position (GRCh38, 1-based): chr17:61,808,618, A>T on the plus strand (T>A on the coding strand, the complement: BRIP1 is on the minus strand). VCF-style: chr17-61808618-A-T. GRCh37 (hg19) VCF-style: chr17-59885979-A-T.
Other names: short protein forms I256N.
Identifiers: ClinVar variation 5033410 (VCV005033410.1).
Genomic context (GRCh38, chr17:61,808,618, plus strand): 5'-AGAATAGTCATTGGAACCCCTGAATATGCCGTCCTCCGGAGCTCTCTAGTAATCTGAGCA[A>T]TCTGCTTGTGTGTGCGTGTCCCAAAATATATTTTGGGTATCTTGGATTTCCCTGTATGAT-3'
Protein context (NP_114432.2, residues 246-266): IYFGTRTHKQ[Ile256Asn]AQITRELRRT

ClinVar aggregate classification (germline): Uncertain significance (1 of 4 stars; one submission).

Conditions:
Hereditary cancer-predisposing syndrome. Also called: Neoplastic Syndromes, Hereditary; Tumor predisposition; Hereditary neoplastic syndrome; Hereditary Cancer Syndrome. Identifiers: Orphanet 140162, MedGen C0027672, MeSH D009386, MONDO:0015356.

Submission:

Ambry Genetics
Classification: Uncertain significance for Hereditary cancer-predisposing syndrome. Last evaluated: 2026-07-07. Review status: criteria provided, single submitter. Criteria: Ambry Variant Classification Scheme 2023. Collection method: clinical testing. Allele origin: germline.
Comment: The p.I256N variant (also known as c.767T>A), located in coding exon 6 of the BRIP1 gene, results from a T to A substitution at nucleotide position 767. The isoleucine at codon 256 is replaced by asparagine, an amino acid with dissimilar properties. This amino acid position is conserved. In addition, the in silico prediction for this alteration is inconclusive. Based on the available evidence, the clinical significance of this variant remains unclear.